The following is an entry in ClinVar:

ClinVar aggregate classification (germline): Likely pathogenic (1 of 4 stars; one submission).

Conditions:
Alport syndrome. Also called: Hemorrhagic familial nephritis; Hemorrhagic hereditary nephritis; Congenital hereditary hematuria. Identifiers: Orphanet 63, MedGen C1567741, MONDO:0018965.

Submission:

Natera, Inc.
Classification: Likely pathogenic for Alport syndrome. Last evaluated: 2025-10-09. Review status: criteria provided, single submitter. Criteria: Natera Variant Classification Schema (03/2026). Collection method: clinical testing. Allele origin: germline.
Comment: The c.1803+1G>C variant in COL4A4 is a canonical splice donor site variant predicted to affect pre-mRNA splicing, which may result in an abnormal transcript and altered protein product. This variant is expected to result in nonsense mediated decay, truncation, or a dysfunctional protein product. This variant is rare in the general population with a frequency below the threshold expected for the associated phenotype(s). Given the available evidence, this variant is classified as Likely Pathogenic.

NM_000092.5(COL4A4):c.1803+1G>C

Gene: COL4A4 (collagen type IV alpha 4 chain; minus strand). Cytogenetic location: 2q36.3.
Variant type: single nucleotide variant.
Coding change: c.1803+1G>C on transcript NM_000092.5 (MANE Select); the canonical splice donor site of the intron after coding-DNA position 1803, G replaced by C.
Molecular consequence: splice donor variant.
Genome position (GRCh38, 1-based): chr2:227,080,442, C>G on the plus strand (G>C on the coding strand, the complement: COL4A4 is on the minus strand). VCF-style: chr2-227080442-C-G. GRCh37 (hg19) VCF-style: chr2-227945158-C-G.
Identifiers: ClinVar variation 4817297 (VCV004817297.1).